The following is an entry in ClinVar:

ClinVar aggregate classification (germline): Uncertain significance. Review status: criteria provided, multiple submitters, no conflicts (2 of 4 stars). 2 submissions from 2 submitters: Uncertain significance (2). Last evaluated 2025-10-30.

Conditions:
Hereditary cancer-predisposing syndrome. Also called: Hereditary neoplastic syndrome; Tumor predisposition; Neoplastic Syndromes, Hereditary; Hereditary Cancer Syndrome. Identifiers: Orphanet 140162, MedGen C0027672, MeSH D009386, MONDO:0015356.

Submissions (2):

Ambry Genetics
Classification: Uncertain significance for Hereditary cancer-predisposing syndrome. Last evaluated: 2025-10-30. Review status: criteria provided, single submitter. Criteria: Ambry Variant Classification Scheme 2023. Collection method: clinical testing. Allele origin: germline.
Comment: The c.1381_1383delTAT variant (also known as p.Y461del) is located in coding exon 9 of the BRIP1 gene. This variant results from an in-frame TAT deletion at nucleotide positions 1381 to 1383. This results in the in-frame deletion of a tyrosine at codon 461. This amino acid position is highly conserved in available vertebrate species. In addition, this variant is predicted to be deleterious by in silico analysis (Choi Y et al. PLoS ONE. 2012; 7(10):e46688). Based on the available evidence, the clinical significance of this variant remains unclear.

GeneDx
Classification: Uncertain significance. Last evaluated: 2015-08-24. Review status: criteria provided, single submitter. Criteria: GeneDx Variant Classification (06012015). Collection method: clinical testing. Allele origin: germline. Affected: yes.
Comment: This deletion of 3 nucleotides in BRIP1 is denoted c.1381_1383delTAT at the cDNA level and p.Tyr461del (Y461del) at the protein level. The normal sequence, with the bases that are deleted in braces, is AGAT[TAT]GAAT. This in frame deletion of a single Tyrosine residue occurs at a position that is conserved across species and is located in the helicase domain (Cantor 2011). This variant has not, to our knowledge, been published in the literature as pathogenic or benign. Since in frame deletions may or may not inhibit proper protein functioning, the clinical significance of this finding remains unclear at this time and we consider BRIP1 Tyr461del to be a variant of uncertain significance.

NM_032043.3(BRIP1):c.1381_1383del (p.Tyr461del)

Gene: BRIP1 (BRCA1 interacting DNA helicase 1; minus strand). Cytogenetic location: 17q23.2.
Variant type: Deletion.
Coding change: c.1381_1383del on transcript NM_032043.3 (MANE Select); coding-DNA positions 1381 to 1383, 3 bases deleted (TAT; older notation c.1381_1383delTAT).
Protein change: p.Tyr461del; deletes tyrosine 461.
Molecular consequence: inframe deletion.
Genome position (GRCh38, 1-based): chr17:61,793,687-61,793,689, ATA deleted on the plus strand (TAT on the coding strand, the reverse complement: BRIP1 is on the minus strand); deleting any 3 consecutive bases within chr17:61,793,687-61,793,691 gives the same sequence; the c. name uses the placement nearest the transcript's 3' end. VCF-style (leftmost placement, unchanged base first): chr17-61793686-CATA-C. GRCh37 (hg19) VCF-style: chr17-59871047-CATA-C.
Other names: c.1381_1383delTAT (NM_032043.2); short protein forms Y461del.
Identifiers: ClinVar variation 419734 (VCV000419734.3), dbSNP rs1064794073, ClinGen allele CA16620534.